The following is an entry in ClinVar:

ClinVar aggregate classification (germline): Uncertain significance (1 of 4 stars; one submission).

Conditions:
Multiple endocrine neoplasia, type 1 (MEN1). Also called: Endocrine adenomatosis multiple; MEN 1; MEA I; MEN I; WERMER SYNDROME. Identifiers: Orphanet 652, MedGen C0025267, MeSH D018761, MONDO:0007540, OMIM 131100.

Submission:

Color Diagnostics, LLC DBA Color Health
Classification: Uncertain significance for Multiple endocrine neoplasia, type 1. Last evaluated: 2025-07-03. Review status: criteria provided, single submitter. Criteria: ACMG Guidelines, 2015. Collection method: clinical testing. Allele origin: germline.
Comment: This missense variant replaces glycine with alanine at codon 391 of the MEN1 protein. Computational prediction suggests that this variant may not impact protein structure and function. To our knowledge, functional studies have not been reported for this variant. This variant has not been reported in individuals affected with MEN1-related disorders in the literature. This variant has not been identified in the general population by the Genome Aggregation Database (gnomAD). The available evidence is insufficient to determine the role of this variant in disease conclusively. Therefore, this variant is classified as a Variant of Uncertain Significance.

NM_001370259.2(MEN1):c.1172G>C (p.Gly391Ala)

Gene: MEN1 (menin 1; minus strand). Cytogenetic location: 11q13.1.
Variant type: single nucleotide variant.
Coding change: c.1172G>C on transcript NM_001370259.2 (MANE Select); coding-DNA position 1172, G replaced by C.
Protein change: p.Gly391Ala; replaces glycine 391 with alanine.
Molecular consequence: missense variant. On other transcripts: non-coding transcript variant (4).
Genome position (GRCh38, 1-based): chr11:64,805,648, C>G on the plus strand (G>C on the coding strand, the complement: MEN1 is on the minus strand). VCF-style: chr11-64805648-C-G. GRCh37 (hg19) VCF-style: chr11-64573120-C-G.
Other names: c.1298G>C, p.Gly433Ala (NM_001407142.1, NM_001407143.1, NM_001407144.1 and 1 more transcripts); c.1187G>C, p.Gly396Ala (NM_001407145.1, NM_130800.3, NM_130801.3 and 4 more transcripts); c.1172G>C, p.Gly391Ala (NM_001407146.1, NM_001407147.1, NM_001407152.1 and 3 more transcripts); c.1067G>C, p.Gly356Ala (NM_001407148.1, NM_001407149.1, NM_001370262.2 and 1 more transcripts); c.1313G>C, p.Gly438Ala (NM_001407150.1); c.1193G>C, p.Gly398Ala (NM_001407151.1); short protein forms G356A, G391A, G396A, G398A, G433A, G438A.
Identifiers: ClinVar variation 4758839 (VCV004758839.1).